The following is an entry in ClinVar:

NM_001304548.2(CFAP47):c.8315A>G (p.Glu2772Gly)

Gene: CFAP47 (cilia and flagella associated protein 47; plus strand). Cytogenetic location: Xp21.1.
Variant type: single nucleotide variant.
Coding change: c.8315A>G on transcript NM_001304548.2 (MANE Select); coding-DNA position 8315, A replaced by G.
Protein change: p.Glu2772Gly; replaces glutamic acid 2772 with glycine.
Molecular consequence: missense variant.
Genome position (GRCh38, 1-based): chrX:36,310,960, A>G. VCF-style: chrX-36310960-A-G. GRCh37 (hg19) VCF-style: chrX-36329075-A-G.
Other names: short protein forms E2772G.
Identifiers: ClinVar variation 3026493 (VCV003026493.22), dbSNP rs781926539, ClinGen allele CA10382388.

ClinVar aggregate classification (germline): Uncertain significance (1 of 4 stars; one submission).

Allele frequency attached by ClinVar (database versions not stated): gnomAD exomes below 0.00001; ExAC 0.00007.
gnomAD v4.1: 2 of 1,132,503 alleles (0.00018%); highest among the groups gnomAD compares: Middle Eastern, 0.024%; no homozygotes.

Submission:

CeGaT Center for Human Genetics Tuebingen
Classification: Uncertain significance. Last evaluated: 2023-12-01. Review status: criteria provided, single submitter. Criteria: CeGaT Center For Human Genetics Tuebingen Variant Classification Criteria Version 2. Collection method: clinical testing. Allele origin: germline. Affected: yes. Observed: 1 variant allele.
Comment: CFAP47: PM2, BP4